The following is an entry in ClinVar:

NM_000051.4(ATM):c.9067G>A (p.Gly3023Ser)

Genes: ATM (ATM serine/threonine kinase; plus strand), C11orf65 (chromosome 11 open reading frame 65; minus strand). Cytogenetic location: 11q22.3.
Variant type: single nucleotide variant.
Coding change: c.9067G>A on transcript NM_000051.4 (MANE Select); coding-DNA position 9067, G replaced by A.
Protein change: p.Gly3023Ser; replaces glycine 3023 with serine.
Molecular consequence: missense variant. On other transcripts: intron variant (2).
Genome position (GRCh38, 1-based): chr11:108,365,404, G>A. VCF-style: chr11-108365404-G-A. GRCh37 (hg19) VCF-style: chr11-108236131-G-A.
Other names: c.9067G>A, p.Gly3023Ser (NM_001351834.2); c.640+20516C>T (NM_001330368.2); c.694+20516C>T (NM_001351110.2); short protein forms G3023S.
Identifiers: ClinVar variation 245826 (VCV000245826.13), dbSNP rs879253964, ClinGen allele CA10584380.

ClinVar aggregate classification (germline): Uncertain significance. Review status: criteria provided, multiple submitters, no conflicts (2 of 4 stars). 3 submissions from 3 submitters: Uncertain significance (3). Last evaluated 2025-04-11.

Conditions:
Hereditary cancer-predisposing syndrome. Also called: Neoplastic Syndromes, Hereditary; Hereditary neoplastic syndrome; Tumor predisposition; Hereditary Cancer Syndrome. Identifiers: Orphanet 140162, MedGen C0027672, MeSH D009386, MONDO:0015356.
Ataxia-telangiectasia syndrome (AT). Also called: Ataxia telangiectasia (A-T); Cerebello-oculocutaneous telangiectasia; Immunodeficiency with ataxia telangiectasia; LOUIS-BAR SYNDROME; AT, COMPLEMENTATION GROUP C; ATAXIA-TELANGIECTASIA, FRESNO VARIANT. Identifiers: Orphanet 100, MedGen C0004135, MONDO:0008840, OMIM 208900.

Submissions (3):

Ambry Genetics
Classification: Uncertain significance for Hereditary cancer-predisposing syndrome. Last evaluated: 2025-04-11. Review status: criteria provided, single submitter. Criteria: Ambry Variant Classification Scheme 2023. Collection method: clinical testing. Allele origin: germline.
Comment: The p.G3023S variant (also known as c.9067G>A), located in coding exon 62 of the ATM gene, results from a G to A substitution at nucleotide position 9067. The glycine at codon 3023 is replaced by serine, an amino acid with similar properties. This amino acid position is highly conserved in available vertebrate species. In addition, the in silico prediction for this alteration is inconclusive. Since supporting evidence is limited at this time, the clinical significance of this alteration remains unclear.

Labcorp Genetics (formerly Invitae), Labcorp
Classification: Uncertain significance for Ataxia-telangiectasia syndrome. Last evaluated: 2024-08-29. Review status: criteria provided, single submitter. Criteria: Invitae Variant Classification Sherloc (09022015). Collection method: clinical testing. Allele origin: germline.
Comment: This sequence change replaces glycine, which is neutral and non-polar, with serine, which is neutral and polar, at codon 3023 of the ATM protein (p.Gly3023Ser). This variant is not present in population databases (gnomAD no frequency). This variant has not been reported in the literature in individuals affected with ATM-related conditions. ClinVar contains an entry for this variant (Variation ID: 245826). An algorithm developed to predict the effect of missense changes on protein structure and function (PolyPhen-2) suggests that this variant is likely to be disruptive. In summary, the available evidence is currently insufficient to determine the role of this variant in disease. Therefore, it has been classified as a Variant of Uncertain Significance.

GeneDx
Classification: Uncertain significance. Last evaluated: 2016-01-26. Review status: criteria provided, single submitter. Criteria: GeneDx Variant Classification (06012015). Collection method: clinical testing. Allele origin: germline. Affected: yes.
Comment: This variant is denoted ATM c.9067G>A at the cDNA level, p.Gly3023Ser (G3023S) at the protein level, and results in the change of a Glycine to a Serine (GGC>AGC). This variant has not, to our knowledge, been published in the literature as pathogenic or benign. ATM Gly3023Ser was not observed in approximately 6,500 individuals of European and African American ancestry in the NHLBI Exome Sequencing Project, indicating it is not a common benign variant in these populations. Since Glycine and Serine differ in polarity, charge, size or other properties, this is considered a non-conservative amino acid substitution. ATM Gly3023Ser occurs at a position that is conserved across species and is located in the in FATC domain (Stracker 2013). In silico analyses are inconsistent regarding the effect this variant may have on protein structure and function. Based on currently available information, it is unclear whether ATM Gly3023Ser is pathogenic or benign. We consider it to be a variant of uncertain significance.